The following is an entry in ClinVar:

NM_000444.6(PHEX):c.617T>G (p.Leu206Trp)

Gene: PHEX (phosphate regulating endopeptidase homolog X-linked; plus strand). Cytogenetic location: Xp22.11.
Variant type: single nucleotide variant.
Coding change: c.617T>G on transcript NM_000444.6 (MANE Select); coding-DNA position 617, T replaced by G.
Protein change: p.Leu206Trp; replaces leucine 206 with tryptophan.
Molecular consequence: missense variant.
Genome position (GRCh38, 1-based): chrX:22,077,656, T>G. VCF-style: chrX-22077656-T-G. GRCh37 (hg19) VCF-style: chrX-22095774-T-G.
Other names: c.617T>G, p.Leu206Trp (NM_001282754.2); short protein forms L206W.
Identifiers: ClinVar variation 379283 (VCV000379283.2), dbSNP rs886041694, ClinGen allele CA16608395.

ClinVar aggregate classification (germline): Pathogenic (1 of 4 stars; one submission).

Submission:

GeneDx
Classification: Pathogenic. Last evaluated: 2015-03-11. Review status: criteria provided, single submitter. Criteria: GeneDx Variant Classification (06012015). Collection method: clinical testing. Allele origin: germline. Affected: yes.
Comment: The L206W missense variant in the PHEX gene has been reported previously in association with X-linked Hypophosphatemic Rickets in a father and daughter (Lo et al., 2006). L206W was not observed inapproximately 6,500 individuals of European and African American ancestry in the NHLBI ExomeSequencing Project, indicating it is not a common benign variant in these populations. It is a a semi-conservative amino acid substitution, which may impact secondary protein structure as these residuesdiffer in some properties. This substitution occurs at a position that is conserved in mammals. Therefore, we interpret this variant as pathogenic.